The following is an entry in ClinVar:

NM_001010892.3(RSPH4A):c.1514T>C (p.Phe505Ser)

Gene: RSPH4A (radial spoke head component 4A; plus strand). Cytogenetic location: 6q22.1.
Variant type: single nucleotide variant.
Coding change: c.1514T>C on transcript NM_001010892.3 (MANE Select); coding-DNA position 1514, T replaced by C.
Protein change: p.Phe505Ser; replaces phenylalanine 505 with serine.
Molecular consequence: missense variant.
Genome position (GRCh38, 1-based): chr6:116,628,221, T>C. VCF-style: chr6-116628221-T-C. GRCh37 (hg19) VCF-style: chr6-116949384-T-C.
Other names: c.1514T>C, p.Phe505Ser (NM_001161664.2); short protein forms F505S.
Identifiers: ClinVar variation 355121 (VCV000355121.15), dbSNP rs565491418, ClinGen allele CA3970965.

ClinVar aggregate classification (germline): Uncertain significance. Review status: criteria provided, multiple submitters, no conflicts (2 of 4 stars). 3 submissions from 3 submitters: Uncertain significance (3). Last evaluated 2018-01-13.

Conditions:
Primary ciliary dyskinesia. Also called: Ciliary dyskinesia. Identifiers: Orphanet 244, MedGen C0008780, MONDO:0016575, HP:0012265.
Primary ciliary dyskinesia 11. Also called: CILIARY DYSKINESIA, PRIMARY, 11, WITHOUT SITUS INVERSUS. Identifiers: Orphanet 244, MedGen C2675229, MONDO:0012978, OMIM 612649.

Allele frequency attached by ClinVar (database versions not stated): gnomAD below 0.00001 and 0.00003; TOPMed below 0.00001; gnomAD exomes 0.00004 and 0.00006; ExAC 0.00006; 1000 Genomes Project 30x 0.00047; 1000 Genomes Project 0.00060.
gnomAD v4.1: 61 of 1,613,440 alleles (0.0038%); highest among the groups gnomAD compares: South Asian, 0.063%; no homozygotes.

Submissions (3):

Illumina Laboratory Services, Illumina
Classification: Uncertain significance for Primary ciliary dyskinesia 11. Last evaluated: 2018-01-13. Review status: criteria provided, single submitter. Criteria: ICSL Variant Classification Criteria 13 December 2019. Collection method: clinical testing. Allele origin: germline.

Labcorp Genetics (formerly Invitae), Labcorp
Classification: Uncertain significance for Primary ciliary dyskinesia. Last evaluated: 2018-01-09. Review status: criteria provided, single submitter. Criteria: Invitae Variant Classification Sherloc (09022015). Collection method: clinical testing. Allele origin: germline.
Comment: This sequence change replaces phenylalanine with serine at codon 505 of the RSPH4A protein (p.Phe505Ser). The phenylalanine residue is highly conserved and there is a large physicochemical difference between phenylalanine and serine. This variant is present in population databases (rs565491418, ExAC 0.04%). This variant has not been reported in the literature in individuals with RSPH4A-related disease. ClinVar contains an entry for this variant (Variation ID: 355121). Algorithms developed to predict the effect of missense changes on protein structure and function do not agree on the potential impact of this missense change (SIFT: "Tolerated"; PolyPhen-2: "Probably Damaging"; Align-GVGD: "Class C0"). In summary, the available evidence is currently insufficient to determine the role of this variant in disease. Therefore, it has been classified as a Variant of Uncertain Significance.

Ambry Genetics
Classification: Uncertain significance for Primary ciliary dyskinesia. Last evaluated: 2015-08-30. Review status: criteria provided, single submitter. Criteria: Ambry Variant Classification Scheme 2023. Collection method: clinical testing. Allele origin: germline.
Comment: The p.F505S variant (also known as c.1514T>C), located in coding exon 3 of the RSPH4A gene, results from a T to C substitution at nucleotide position 1514. The phenylalanine at codon 505 is replaced by serine, an amino acid with highly dissimilar properties. This variant was not reported in population based cohorts in the following databases: Database of Single Nucleotide Polymorphisms (dbSNP), NHLBI Exome Sequencing Project (ESP), and 1000 Genomes Project. In the ESP, this variant was not observed in 6503 samples (13006 alleles) with coverage at this position. This amino acid position is well conserved in available vertebrate species. In addition, this alteration is predicted to be tolerated by in silico analysis. Since supporting evidence is limited at this time, the clinical significance of this variant remains unclear.